The following is an entry in ClinVar:

ClinVar aggregate classification (germline): Uncertain significance (1 of 4 stars; one submission).

Conditions:
Autosomal dominant Robinow syndrome 2. Identifiers: Orphanet 3107, Orphanet 97360, MedGen C4225363, MONDO:0014591, OMIM 616331.

Submission:

Suma Genomics
Classification: Uncertain significance for Autosomal dominant Robinow syndrome 2. Review status: criteria provided, single submitter. Criteria: ACMG Guidelines, 2015. Collection method: clinical testing. Allele origin: de novo. Inheritance: Autosomal dominant inheritance. Affected: yes. Observed: 1 variant allele, 1 heterozygote.
Comment: Monoallelic disease-causing variants in DVL1 are associated with Robinow syndrome, autosomal dominant 2 (MIM# 616331). ACMG classification: Variant of uncertain significance Criteria met: PM2_Supporting: Extremely low frequency in gnomAD population databases PM6: De novo in a patient with phenotype consistency, no family history and both maternity and paternity are assumed.

NM_001330311.2(DVL1):c.1683_1714+6dup

Genes: DVL1 (dishevelled segment polarity protein 1; minus strand), LOC129929114 (ATAC-STARR-seq lymphoblastoid silent region 61; plus strand). Cytogenetic location: 1p36.33.
Variant type: Duplication.
Coding change: c.1683_1714+6dup on transcript NM_001330311.2 (MANE Select); coding-DNA position 1683 through 6 bases into the intron after coding-DNA position 1714, 38 bases duplicated.
Molecular consequence: splice donor variant.
Genome position (GRCh38, 1-based): chr1:1,337,971-1,338,008, 38 bases duplicated. GRCh37 (hg19): chr1:1,273,351-1,273,388.
Other names: c.1608_1639+6dup (NM_004421.3).
Identifiers: ClinVar variation 4814016 (VCV004814016.1).